The following is an entry in ClinVar:

ClinVar aggregate classification (germline): Uncertain significance (1 of 4 stars; one submission).

Conditions:
Congenital myasthenic syndrome 5. Identifiers: Orphanet 590, MedGen C1864233, MONDO:0011281, OMIM 603034.

Allele frequency attached by ClinVar (database versions not stated): ExAC 0.00002; gnomAD exomes 0.00002.
gnomAD v4.1: 15 of 1,614,078 alleles (0.00093%); highest among the groups gnomAD compares: South Asian, 0.0099%; no homozygotes.

Submission:

Labcorp Genetics (formerly Invitae), Labcorp
Classification: Uncertain significance for Congenital myasthenic syndrome 5. Last evaluated: 2025-04-08. Review status: criteria provided, single submitter. Criteria: Invitae Variant Classification Sherloc (09022015). Collection method: clinical testing. Allele origin: germline.
Comment: This sequence change replaces glycine, which is neutral and non-polar, with arginine, which is basic and polar, at codon 305 of the COLQ protein (p.Gly305Arg). This variant is present in population databases (no rsID available, gnomAD 0.01%). This variant has not been reported in the literature in individuals affected with COLQ-related conditions. ClinVar contains an entry for this variant (Variation ID: 579096). Invitae Evidence Modeling of protein sequence and biophysical properties (such as structural, functional, and spatial information, amino acid conservation, physicochemical variation, residue mobility, and thermodynamic stability) indicates that this missense variant is not expected to disrupt COLQ protein function with a negative predictive value of 80%. In summary, the available evidence is currently insufficient to determine the role of this variant in disease. Therefore, it has been classified as a Variant of Uncertain Significance.

NM_005677.4(COLQ):c.913G>A (p.Gly305Arg)

Gene: COLQ (collagen like tail subunit of asymmetric acetylcholinesterase; minus strand). Cytogenetic location: 3p25.1.
Variant type: single nucleotide variant.
Coding change: c.913G>A on transcript NM_005677.4 (MANE Select); coding-DNA position 913, G replaced by A.
Protein change: p.Gly305Arg; replaces glycine 305 with arginine.
Molecular consequence: missense variant.
Genome position (GRCh38, 1-based): chr3:15,458,227, C>T on the plus strand (G>A on the coding strand, the complement: COLQ is on the minus strand). VCF-style: chr3-15458227-C-T. GRCh37 (hg19) VCF-style: chr3-15499734-C-T.
Other names: c.883G>A, p.Gly295Arg (NM_080538.2); c.811G>A, p.Gly271Arg (NM_080539.4); short protein forms G305R, G295R, G271R.
Identifiers: ClinVar variation 579096 (VCV000579096.10), dbSNP rs1553634795, ClinGen allele CA2275931.